The following is an entry in ClinVar:

ClinVar aggregate classification (germline): Likely pathogenic (1 of 4 stars; one submission).

Conditions:
Complex cortical dysplasia with other brain malformations 6. Identifiers: MedGen C4014283, MONDO:0014341, OMIM 615771.

Submission:

Laboratory of Medical Genetics, National & Kapodistrian University of Athens
Classification: Likely pathogenic for Complex cortical dysplasia with other brain malformations 6. Last evaluated: 2023-07-17. Review status: criteria provided, single submitter. Criteria: ACMG Guidelines, 2015. Collection method: clinical testing. Allele origin: de novo. Affected: yes.
Comment: PS2, PM2, PM5, PP3 - Low frequency in gnomAD population databases. In silico prediction tools estimated that the variant could be damaging for the protein function/stracture. The variant was detected de-novo (paternity confirmed).

NM_178014.4(TUBB):c.670G>C (p.Asp224His)

Gene: TUBB (tubulin beta class I; plus strand). Cytogenetic location: 6p21.33.
Variant type: single nucleotide variant.
Coding change: c.670G>C on transcript NM_178014.4 (MANE Select); coding-DNA position 670, G replaced by C.
Protein change: p.Asp224His; replaces aspartic acid 224 with histidine.
Molecular consequence: missense variant. On other transcripts: intron variant (1).
Genome position (GRCh38, 1-based): chr6:30,723,732, G>C. VCF-style: chr6-30723732-G-C. GRCh37 (hg19) VCF-style: chr6-30691509-G-C.
Other names: c.730G>C, p.Asp244His (NM_001293212.2); c.538G>C, p.Asp180His (NM_001293214.2); c.454G>C, p.Asp152His (NM_001293215.2, NM_001293216.2); c.369+301G>C (NM_001293213.2); short protein forms D152H, D180H, D224H, D244H.
Identifiers: ClinVar variation 3256579 (VCV003256579.1).
Genomic context (GRCh38, chr6:30,723,732, plus strand): 5'-AACGAGGCCCTCTATGATATCTGCTTCCGCACTCTGAAGCTGACCACACCAACCTACGGG[G>C]ATCTGAACCACCTTGTCTCAGCCACCATGAGTGGTGTCACCACCTGCCTCCGTTTCCCTG-3'
Protein context (NP_821133.1, residues 214-234): TLKLTTPTYG[Asp224His]LNHLVSATMS